The following is an entry in ClinVar:

ClinVar aggregate classification (germline): Uncertain significance (1 of 4 stars; one submission).

Conditions:
Inborn genetic diseases. Identifiers: MedGen C0950123, MeSH D030342.

Submission:

Ambry Genetics
Classification: Uncertain significance for Inborn genetic diseases. Last evaluated: 2024-08-31. Review status: criteria provided, single submitter. Criteria: Ambry Variant Classification Scheme 2023. Collection method: clinical testing. Allele origin: germline.
Comment: The p.T204P variant (also known as c.610A>C), located in coding exon 6 of the MDH2 gene, results from an A to C substitution at nucleotide position 610. The threonine at codon 204 is replaced by proline, an amino acid with highly similar properties. This amino acid position is conserved. In addition, this alteration is predicted to be deleterious by in silico analysis. Based on the available evidence, the clinical significance of this variant remains unclear.

NM_005918.4(MDH2):c.610A>C (p.Thr204Pro)

Gene: MDH2 (malate dehydrogenase 2; plus strand). Cytogenetic location: 7q11.23.
Variant type: single nucleotide variant.
Coding change: c.610A>C on transcript NM_005918.4 (MANE Select); coding-DNA position 610, A replaced by C.
Protein change: p.Thr204Pro; replaces threonine 204 with proline.
Molecular consequence: missense variant.
Genome position (GRCh38, 1-based): chr7:76,063,569, A>C. VCF-style: chr7-76063569-A-C. GRCh37 (hg19) VCF-style: chr7-75692887-A-C.
Other names: c.484A>C, p.Thr162Pro (NM_001282403.2); c.289A>C, p.Thr97Pro (NM_001282404.2); short protein forms T162P, T204P, T97P.
Identifiers: ClinVar variation 3394069 (VCV003394069.1).